The following is an entry in ClinVar:

ClinVar aggregate classification (germline): Benign. Review status: criteria provided, multiple submitters, no conflicts (2 of 4 stars). 2 submissions from 2 submitters: Benign (2). Last evaluated 2018-01-13.

Conditions:
Inflammatory bowel disease 28. Also called: Inflammatory bowel disease 28, early onset, autosomal recessive. Identifiers: Orphanet 238569, MedGen C2751053, MONDO:0013153, OMIM 613148.

Allele frequency attached by ClinVar (database versions not stated): ExAC 0.50202; gnomAD exomes 0.51298 and 0.48308; gnomAD 0.52310 and 0.52512; TOPMed 0.54325; 1000 Genomes Project 0.55970; 1000 Genomes Project 30x 0.56496.
gnomAD v4.1: 225,448 of 453,704 alleles (50%); highest among the groups gnomAD compares: African/African-American, 65%; 57,647 homozygotes.

Submissions (2):

Illumina Laboratory Services, Illumina
Classification: Benign for Inflammatory bowel disease 28. Last evaluated: 2018-01-13. Review status: criteria provided, single submitter. Criteria: ICSL Variant Classification Criteria 13 December 2019. Collection method: clinical testing. Allele origin: germline.
Comment: This variant was observed in the ICSL laboratory as part of a predisposition screen in an ostensibly healthy population. It had not been previously curated by ICSL or reported in the Human Gene Mutation Database (HGMD: prior to June 1st, 2018), and was therefore a candidate for classification through an automated scoring system. Utilizing variant allele frequency, disease prevalence and penetrance estimates, and inheritance mode, an automated score was calculated to assess if this variant is too frequent to cause the disease. Based on the score and internal cut-off values, a variant classified as benign is not then subjected to further curation. The score for this variant resulted in a classification of benign for this disease.

Breakthrough Genomics
Classification: Benign. Review status: criteria provided, single submitter. Criteria: ACMG Guidelines, 2015. Collection method: not provided. Allele origin: germline. Inheritance: Autosomal recessive inheritance. Affected: yes.

NM_001558.4(IL10RA):c.*1730G>A

Gene: IL10RA (interleukin 10 receptor subunit alpha; plus strand). Cytogenetic location: 11q23.3.
Variant type: single nucleotide variant.
Coding change: c.*1730G>A on transcript NM_001558.4 (MANE Select); 1730 bases downstream of the stop codon, G replaced by A.
Molecular consequence: 3 prime UTR variant. On other transcripts: non-coding transcript variant (1).
Genome position (GRCh38, 1-based): chr11:118,001,371, G>A. VCF-style: chr11-118001371-G-A. GRCh37 (hg19) VCF-style: chr11-117872086-G-A.
Identifiers: ClinVar variation 302580 (VCV000302580.6), dbSNP rs9610, ClinGen allele CA6299320.